The following is an entry in ClinVar:

NM_001126108.2(SLC12A3):c.1195C>G (p.Arg399Gly)

Gene: SLC12A3 (solute carrier family 12 member 3; plus strand). Cytogenetic location: 16q13.
Variant type: single nucleotide variant.
Coding change: c.1195C>G on transcript NM_001126108.2 (MANE Select); coding-DNA position 1195, C replaced by G.
Protein change: p.Arg399Gly; replaces arginine 399 with glycine.
Molecular consequence: missense variant.
Genome position (GRCh38, 1-based): chr16:56,879,087, C>G. VCF-style: chr16-56879087-C-G. GRCh37 (hg19) VCF-style: chr16-56912999-C-G.
Other names: c.1195C>G, p.Arg399Gly (NM_000339.3); c.1192C>G, p.Arg398Gly (NM_001126107.2, NM_001410896.1); short protein forms R398G, R399G.
Identifiers: ClinVar variation 2826924 (VCV002826924.3), dbSNP rs775931992, ClinGen allele CA395985580.

ClinVar aggregate classification (germline): Likely pathogenic (1 of 4 stars; one submission).

Submission:

Labcorp Genetics (formerly Invitae), Labcorp
Classification: Likely pathogenic. Last evaluated: 2023-01-07. Review status: criteria provided, single submitter. Criteria: Invitae Variant Classification Sherloc (09022015). Collection method: clinical testing. Allele origin: germline.
Comment: This sequence change replaces arginine, which is basic and polar, with glycine, which is neutral and non-polar, at codon 399 of the SLC12A3 protein (p.Arg399Gly). This variant is not present in population databases (gnomAD no frequency). In summary, the currently available evidence indicates that the variant is pathogenic, but additional data are needed to prove that conclusively. Therefore, this variant has been classified as Likely Pathogenic. This variant disrupts the p.Arg399 amino acid residue in SLC12A3. Other variant(s) that disrupt this residue have been determined to be pathogenic (PMID: 18391953, 23328711). This suggests that this residue is clinically significant, and that variants that disrupt this residue are likely to be disease-causing. Advanced modeling of protein sequence and biophysical properties (such as structural, functional, and spatial information, amino acid conservation, physicochemical variation, residue mobility, and thermodynamic stability) performed at Invitae indicates that this missense variant is expected to disrupt SLC12A3 protein function. This variant has not been reported in the literature in individuals affected with SLC12A3-related conditions.

Literature cited by the submitters: PubMed 18391953; PubMed 23328711.